The following is an entry in ClinVar:

ClinVar aggregate classification (germline): Uncertain significance (1 of 4 stars; one submission).

Submission:

Labcorp Genetics (formerly Invitae), Labcorp
Classification: Uncertain significance. Last evaluated: 2021-10-06. Review status: criteria provided, single submitter. Criteria: Invitae Variant Classification Sherloc (09022015). Collection method: clinical testing. Allele origin: germline.
Comment: This variant is not present in population databases (ExAC no frequency). This sequence change replaces proline with leucine at codon 771 of the VPS13A protein (p.Pro771Leu). The proline residue is moderately conserved and there is a moderate physicochemical difference between proline and leucine. This variant has not been reported in the literature in individuals affected with VPS13A-related conditions. In summary, the available evidence is currently insufficient to determine the role of this variant in disease. Therefore, it has been classified as a Variant of Uncertain Significance. Algorithms developed to predict the effect of missense changes on protein structure and function are either unavailable or do not agree on the potential impact of this missense change (SIFT: "Deleterious"; PolyPhen-2: "Probably Damaging"; Align-GVGD: "Class C0").

NM_033305.3(VPS13A):c.2312C>T (p.Pro771Leu)

Gene: VPS13A (vacuolar protein sorting 13 homolog A; plus strand). Cytogenetic location: 9q21.2.
Variant type: single nucleotide variant.
Coding change: c.2312C>T on transcript NM_033305.3 (MANE Select); coding-DNA position 2312, C replaced by T.
Protein change: p.Pro771Leu; replaces proline 771 with leucine.
Molecular consequence: missense variant.
Genome position (GRCh38, 1-based): chr9:77,260,109, C>T. VCF-style: chr9-77260109-C-T. GRCh37 (hg19) VCF-style: chr9-79875025-C-T.
Other names: c.2312C>T, p.Pro771Leu (NM_001018037.2, NM_001018038.3, NM_015186.4); short protein forms P771L.
Identifiers: ClinVar variation 1391595 (VCV001391595.6), dbSNP rs753944590, ClinGen allele CA373852247.
Genomic context (GRCh38, chr9:77,260,109, plus strand): 5'-TCCTTTATAATTACTTATTTTTATCTTTTCAAAACAGATTCAAGATTTATGGAAAGTTAC[C>T]TCTTATTTCTTTACGAATCTCAGATAAAAAACTACAAGGGATTATGGAATTGATTGAAAG-3'
Protein context (NP_150648.2, residues 761-781): MPKFKIYGKL[Pro771Leu]LISLRISDKK